The following is an entry in ClinVar:

NM_001040108.2(MLH3):c.1570G>C (p.Asp524His)

Gene: MLH3 (mutL homolog 3; minus strand). Cytogenetic location: 14q24.3.
Variant type: single nucleotide variant.
Coding change: c.1570G>C on transcript NM_001040108.2 (MANE Select); coding-DNA position 1570, G replaced by C.
Protein change: p.Asp524His; replaces aspartic acid 524 with histidine.
Molecular consequence: missense variant.
Genome position (GRCh38, 1-based): chr14:75,048,086, C>G on the plus strand (G>C on the coding strand, the complement: MLH3 is on the minus strand). VCF-style: chr14-75048086-C-G. GRCh37 (hg19) VCF-style: chr14-75514789-C-G.
Other names: c.1570G>C, p.Asp524His (NM_014381.3); short protein forms D524H.
Identifiers: ClinVar variation 3295106 (VCV003295106.1).

ClinVar aggregate classification (germline): Uncertain significance (1 of 4 stars; one submission).

Submission:

Ambry Genetics
Classification: Uncertain significance. Last evaluated: 2024-04-12. Review status: criteria provided, single submitter. Criteria: Ambry Variant Classification Scheme 2023. Collection method: clinical testing. Allele origin: germline.
Comment: The p.D524H variant (also known as c.1570G>C), located in coding exon 1 of the MLH3 gene, results from a G to C substitution at nucleotide position 1570. The aspartic acid at codon 524 is replaced by histidine, an amino acid with similar properties. This amino acid position is conserved. In addition, this alteration is predicted to be tolerated by in silico analysis. Based on the available evidence, the clinical significance of this variant remains unclear.